The following is an entry in ClinVar:

NM_001134407.3(GRIN2A):c.4037A>C (p.Gln1346Pro)

Gene: GRIN2A (glutamate ionotropic receptor NMDA type subunit 2A; minus strand). Cytogenetic location: 16p13.2.
Variant type: single nucleotide variant.
Coding change: c.4037A>C on transcript NM_001134407.3 (MANE Select); coding-DNA position 4037, A replaced by C.
Protein change: p.Gln1346Pro; replaces glutamine 1346 with proline.
Molecular consequence: missense variant. On other transcripts: intron variant (1).
Genome position (GRCh38, 1-based): chr16:9,763,507, T>G on the plus strand (A>C on the coding strand, the complement: GRIN2A is on the minus strand). VCF-style: chr16-9763507-T-G. GRCh37 (hg19) VCF-style: chr16-9857364-T-G.
Other names: c.3773-79A>C (NM_001134408.2); c.4037A>C, p.Gln1346Pro (NM_000833.5); short protein forms Q1346P.
Identifiers: ClinVar variation 4883227 (VCV004883227.2).
Genomic context (GRCh38, chr16:9,763,507, plus strand): 5'-GGGTTATCGGAGGTGTGGTCTGGCAAGAGAGACTTGCTCCTCTTGCTGTCCTCCAGACCT[T>G]GGGGGAAAAGGGAGCTTTTTTTCCCCGAGAGTTTGCTTGAGGGGACACTAAACAGGCTGC-3'
Protein context (NP_001127879.1, residues 1336-1356): LSGKKSSLFP[Gln1346Pro]GLEDSKRSKS

ClinVar aggregate classification (germline): Uncertain significance (1 of 4 stars; one submission).

gnomAD v4.1: 1 of 1,614,048 alleles (0.000062%); highest among the groups gnomAD compares: Non-Finnish European, 0.000085%; no homozygotes.

Submission:

Dasa
Classification: Uncertain significance. Last evaluated: 2025-03-10. Review status: criteria provided, single submitter. Criteria: DASA Assertion Criteria. Collection method: clinical testing. Allele origin: germline.
Comment: NM_001134407.3(GRIN2A):c.4037A>C (p.Gln1346Pro) is a missense variant that results in the substitution of glutamine with proline. This variant is rare in population databases. Computational prediction algorithms are consistent with a benign effect. The currently available literature and clinical evidence are not sufficient to establish a definitive association between this variant and the reported condition. Therefore, this variant is classified as a variant of uncertain significance.